The following is an entry in ClinVar:

NM_006790.3(MYOT):c.1457T>C (p.Leu486Ser)

Genes: MYOT (myotilin; plus strand), PKD2L2-DT (PKD2L2 divergent transcript; minus strand). Cytogenetic location: 5q31.2.
Variant type: single nucleotide variant.
Coding change: c.1457T>C on transcript NM_006790.3 (MANE Select); coding-DNA position 1457, T replaced by C.
Protein change: p.Leu486Ser; replaces leucine 486 with serine.
Molecular consequence: missense variant.
Genome position (GRCh38, 1-based): chr5:137,887,345, T>C. VCF-style: chr5-137887345-T-C. GRCh37 (hg19) VCF-style: chr5-137223034-T-C.
Other names: c.905T>C, p.Leu302Ser (NM_001135940.2); c.1112T>C, p.Leu371Ser (NM_001300911.2); c.1457T>C (NM_006790.2); short protein forms L302S, L371S, L486S.
Identifiers: ClinVar variation 1016403 (VCV001016403.10), dbSNP rs372307298, ClinGen allele CA3423206.

ClinVar aggregate classification (germline): Uncertain significance. Review status: criteria provided, multiple submitters, no conflicts (2 of 4 stars). 2 submissions from 2 submitters: Uncertain significance (2). Last evaluated 2025-04-24.

Conditions:
Inborn genetic diseases. Identifiers: MedGen C0950123, MeSH D030342.
Myofibrillar myopathy 3 (MFM3). Also called: Muscular dystrophy, proximal, type 1A; Autosomal dominant spheroid body myopathy. Identifiers: Orphanet 266, Orphanet 268129, MedGen C3714934, MONDO:0012215, OMIM 609200.

Allele frequency attached by ClinVar (database versions not stated): gnomAD exomes 0.00001; ExAC 0.00002; gnomAD 0.00002; TOPMed 0.00004; ESP Exome Variant Server 0.00008.
gnomAD v4.1: 3 of 1,613,942 alleles (0.00019%); highest among the groups gnomAD compares: African/African-American, 0.004%; no homozygotes.

Submissions (2):

Ambry Genetics
Classification: Uncertain significance for Inborn genetic diseases. Last evaluated: 2025-04-24. Review status: criteria provided, single submitter. Criteria: Ambry Variant Classification Scheme 2023. Collection method: clinical testing. Allele origin: germline.

Labcorp Genetics (formerly Invitae), Labcorp
Classification: Uncertain significance for Myofibrillar myopathy 3. Last evaluated: 2024-03-27. Review status: criteria provided, single submitter. Criteria: Invitae Variant Classification Sherloc (09022015). Collection method: clinical testing. Allele origin: germline.
Comment: This sequence change replaces leucine, which is neutral and non-polar, with serine, which is neutral and polar, at codon 486 of the MYOT protein (p.Leu486Ser). This variant is present in population databases (rs372307298, gnomAD 0.01%). This variant has not been reported in the literature in individuals affected with MYOT-related conditions. ClinVar contains an entry for this variant (Variation ID: 1016403). An algorithm developed to predict the effect of missense changes on protein structure and function (PolyPhen-2) suggests that this variant is likely to be disruptive. In summary, the available evidence is currently insufficient to determine the role of this variant in disease. Therefore, it has been classified as a Variant of Uncertain Significance.